The following is an entry in ClinVar:

NM_000159.4(GCDH):c.583G>A (p.Ala195Thr)

Gene: GCDH (glutaryl-CoA dehydrogenase; plus strand). Cytogenetic location: 19p13.13.
Variant type: single nucleotide variant.
Coding change: c.583G>A on transcript NM_000159.4 (MANE Select); coding-DNA position 583, G replaced by A.
Protein change: p.Ala195Thr; replaces alanine 195 with threonine.
Molecular consequence: missense variant. On other transcripts: non-coding transcript variant (2).
Genome position (GRCh38, 1-based): chr19:12,896,069, G>A. VCF-style: chr19-12896069-G-A. GRCh37 (hg19) VCF-style: chr19-13006883-G-A.
Other names: c.583G>A, p.Ala195Thr (NM_013976.5); c.583G>A (NM_000159.2); short protein forms A195T.
Identifiers: ClinVar variation 1414622 (VCV001414622.8), dbSNP rs2145950460, ClinGen allele CA404318183.

ClinVar aggregate classification (germline): Pathogenic/Likely pathogenic. Review status: criteria provided, multiple submitters, no conflicts (2 of 4 stars). 3 submissions from 3 submitters: Pathogenic (2); Likely pathogenic (1). Last evaluated 2025-06-11.

Conditions:
Glutaric aciduria, type 1. Also called: Glutaric Acidemia Type 1; Glutaricaciduria, type I; Glutaryl-CoA dehydrogenase deficiency; Glutaric acidemia type I; Glutaricacidemia Type 1; GA I. Identifiers: Orphanet 25, MedGen C0268595, MONDO:0009281, OMIM 231670.

Allele frequency attached by ClinVar (database versions not stated): gnomAD exomes below 0.00001.
gnomAD v4.1: 3 of 1,614,088 alleles (0.00019%); highest among the groups gnomAD compares: Non-Finnish European, 0.00025%; no homozygotes.

Submissions (3):

Labcorp Genetics (formerly Invitae), Labcorp
Classification: Pathogenic for Glutaric aciduria, type 1. Last evaluated: 2025-06-11. Review status: criteria provided, single submitter. Criteria: Invitae Variant Classification Sherloc (09022015). Collection method: clinical testing. Allele origin: germline.
Comment: This sequence change replaces alanine, which is neutral and non-polar, with threonine, which is neutral and polar, at codon 195 of the GCDH protein (p.Ala195Thr). This variant is not present in population databases (gnomAD no frequency). This missense change has been observed in individual(s) with glutaric acidemia type I (PMID: 9600243, 32240488). ClinVar contains an entry for this variant (Variation ID: 1414622). Invitae Evidence Modeling of protein sequence and biophysical properties (such as structural, functional, and spatial information, amino acid conservation, physicochemical variation, residue mobility, and thermodynamic stability) indicates that this missense variant is expected to disrupt GCDH protein function with a positive predictive value of 80%. For these reasons, this variant has been classified as Pathogenic.

Baylor Genetics
Classification: Pathogenic for Glutaric aciduria, type 1. Last evaluated: 2024-03-27. Review status: criteria provided, single submitter. Criteria: ACMG Guidelines, 2015. Collection method: clinical testing. Allele origin: unknown.

GeneDx
Classification: Likely pathogenic. Last evaluated: 2024-02-08. Review status: criteria provided, single submitter. Criteria: GeneDx Variant Classification Process June 2021. Collection method: clinical testing. Allele origin: germline.
Comment: Not observed at significant frequency in large population cohorts (gnomAD); In silico analysis supports that this missense variant has a deleterious effect on protein structure/function; This variant is associated with the following publications: (PMID: 9711871, 32556492, 32240488, 9600243, 11015709, 15505393, 10960496, 37020324)

Literature cited by the submitters: PubMed 9600243 (cited by Labcorp Genetics (formerly Invitae), Labcorp); PubMed 32240488 (cited by Labcorp Genetics (formerly Invitae), Labcorp).